The following is an entry in ClinVar:

NM_007186.6(CEP250):c.6787A>G (p.Met2263Val)

Gene: CEP250 (centrosomal protein 250; plus strand). Cytogenetic location: 20q11.22.
Variant type: single nucleotide variant.
Coding change: c.6787A>G on transcript NM_007186.6 (MANE Select); coding-DNA position 6787, A replaced by G.
Protein change: p.Met2263Val; replaces methionine 2263 with valine.
Molecular consequence: missense variant.
Genome position (GRCh38, 1-based): chr20:35,508,071, A>G. VCF-style: chr20-35508071-A-G. GRCh37 (hg19) VCF-style: chr20-34095900-A-G.
Other names: c.4891A>G, p.Met1631Val (NM_001318219.1); short protein forms M2263V, M1631V.
Identifiers: ClinVar variation 2091364 (VCV002091364.4), dbSNP rs903850436, ClinGen allele CA314164266.

ClinVar aggregate classification (germline): Uncertain significance (1 of 4 stars; one submission).

Submission:

Labcorp Genetics (formerly Invitae), Labcorp
Classification: Uncertain significance. Last evaluated: 2022-09-27. Review status: criteria provided, single submitter. Criteria: Invitae Variant Classification Sherloc (09022015). Collection method: clinical testing. Allele origin: germline.
Comment: This variant is not present in population databases (gnomAD no frequency). In summary, the available evidence is currently insufficient to determine the role of this variant in disease. Therefore, it has been classified as a Variant of Uncertain Significance. Algorithms developed to predict the effect of missense changes on protein structure and function output the following: SIFT: "Not Available"; PolyPhen-2: "Benign"; Align-GVGD: "Not Available". The valine amino acid residue is found in multiple mammalian species, which suggests that this missense change does not adversely affect protein function. This variant has not been reported in the literature in individuals affected with CEP250-related conditions. This sequence change replaces methionine, which is neutral and non-polar, with valine, which is neutral and non-polar, at codon 2263 of the CEP250 protein (p.Met2263Val).